The following is an entry in ClinVar:

NM_001358530.2(MOCS1):c.485G>A (p.Arg162Gln)

Gene: MOCS1 (molybdenum cofactor synthesis 1; minus strand). Cytogenetic location: 6p21.2.
Variant type: single nucleotide variant.
Coding change: c.485G>A on transcript NM_001358530.2 (MANE Select); coding-DNA position 485, G replaced by A.
Protein change: p.Arg162Gln; replaces arginine 162 with glutamine.
Molecular consequence: missense variant. On other transcripts: non-coding transcript variant (1).
Genome position (GRCh38, 1-based): chr6:39,916,166, C>T on the plus strand (G>A on the coding strand, the complement: MOCS1 is on the minus strand). VCF-style: chr6-39916166-C-T. GRCh37 (hg19) VCF-style: chr6-39883910-C-T.
Other names: p.Arg162Gln; c.485G>A, p.Arg162Gln (NM_001075098.4, NM_001358529.2, NM_005943.6); c.224G>A, p.Arg75Gln (NM_001358531.2, NM_001358533.2, NM_001358534.2); c.485G>A (NM_005943.5); short protein forms R162Q, R75Q.
Identifiers: ClinVar variation 975450 (VCV000975450.8), dbSNP rs374575232, ClinGen allele CA3796261.

ClinVar aggregate classification (germline): Uncertain significance. Review status: criteria provided, multiple submitters, no conflicts (2 of 4 stars). 6 submissions from 6 submitters: Uncertain significance (4). 2 of the submissions do not count toward it. Last evaluated 2025-02-05.

Conditions:
Inborn genetic diseases. Identifiers: MedGen C0950123, MeSH D030342.
Intellectual disability. Also called: intellectual disabilities; Intellectual developmental disorder; Intellectual functioning disability. Identifiers: MedGen C3714756, MeSH D008607, MONDO:0001071, HP:0001249.
Sulfite oxidase deficiency due to molybdenum cofactor deficiency type A. Also called: Molybdenum Cofactor Deficiency A; Molybdenum cofactor deficiency, complementation group A. Identifiers: Orphanet 308386, Orphanet 833, MedGen C1854988, MONDO:0009643, OMIM 252150.
MOCS1-related disorder. Also called: MOCS1-related condition.

Allele frequency attached by ClinVar (database versions not stated): gnomAD 0.00002; ESP Exome Variant Server 0.00008; TOPMed 0.00005.
gnomAD v4.1: 31 of 1,613,854 alleles (0.0019%); highest among the groups gnomAD compares: East Asian, 0.0067%; no homozygotes.

Submissions (6):

Ambry Genetics
Classification: Uncertain significance for Inborn genetic diseases. Last evaluated: 2025-02-05. Review status: criteria provided, single submitter. Criteria: Ambry Variant Classification Scheme 2023. Collection method: clinical testing. Allele origin: germline.

Mayo Clinic Laboratories, Mayo Clinic
Classification: Uncertain significance. Last evaluated: 2024-07-19. Review status: criteria provided, single submitter. Criteria: ACMG Guidelines, 2015. Collection method: clinical testing. Allele origin: germline. Observed: 1 variant allele.
Comment: PM2

Fulgent Genetics
Classification: Uncertain significance for Sulfite oxidase deficiency due to molybdenum cofactor deficiency type A. Last evaluated: 2024-02-06. Review status: criteria provided, single submitter. Criteria: ACMG Guidelines, 2015. Collection method: clinical testing. Allele origin: germline.

Labcorp Genetics (formerly Invitae), Labcorp
Classification: Uncertain significance for Sulfite oxidase deficiency due to molybdenum cofactor deficiency type A. Last evaluated: 2022-03-19. Review status: criteria provided, single submitter. Criteria: Invitae Variant Classification Sherloc (09022015). Collection method: clinical testing. Allele origin: germline.
Comment: This sequence change replaces arginine, which is basic and polar, with glutamine, which is neutral and polar, at codon 162 of the MOCS1 protein (p.Arg162Gln). This variant is present in population databases (rs374575232, gnomAD 0.006%). This variant has not been reported in the literature in individuals affected with MOCS1-related conditions. ClinVar contains an entry for this variant (Variation ID: 975450). Algorithms developed to predict the effect of missense changes on protein structure and function are either unavailable or do not agree on the potential impact of this missense change (SIFT: "Not Available"; PolyPhen-2: "Probably Damaging"; Align-GVGD: "Not Available"). In summary, the available evidence is currently insufficient to determine the role of this variant in disease. Therefore, it has been classified as a Variant of Uncertain Significance.

PreventionGenetics, part of Exact Sciences
Classification: Uncertain significance for MOCS1-related condition. Last evaluated: 2024-07-26. Review status: no assertion criteria provided. Collection method: clinical testing. Allele origin: germline. Not counted in ClinVar's aggregate classification.
Comment: The MOCS1 c.485G>A variant is predicted to result in the amino acid substitution p.Arg162Gln. To our knowledge, this variant has not been reported in the literature. This variant is reported in 0.0054% of alleles in individuals of East Asian descent in gnomAD. At this time, the clinical significance of this variant is uncertain due to the absence of conclusive functional and genetic evidence.

Centre de Biologie Pathologie Génétique, Centre Hospitalier Universitaire de Lille
Classification: Likely benign for Intellectual disability. Last evaluated: 2019-01-01. Review status: no assertion criteria provided. Collection method: clinical testing. Allele origin: inherited. Affected: yes. Not counted in ClinVar's aggregate classification.